The following is an entry in ClinVar:

NM_015488.5(PNKD):c.568G>T (p.Asp190Tyr)

Genes: CATIP-AS2 (CATIP antisense RNA 2; minus strand), PNKD (PNKD metallo-beta-lactamase domain containing; plus strand). Cytogenetic location: 2q35.
Variant type: single nucleotide variant.
Coding change: c.568G>T on transcript NM_015488.5 (MANE Select); coding-DNA position 568, G replaced by T.
Protein change: p.Asp190Tyr; replaces aspartic acid 190 with tyrosine.
Molecular consequence: missense variant.
Genome position (GRCh38, 1-based): chr2:218,341,577, G>T. VCF-style: chr2-218341577-G-T. GRCh37 (hg19) VCF-style: chr2-219206300-G-T.
Other names: c.496G>T, p.Asp166Tyr (NM_022572.5); short protein forms D166Y, D190Y.
Identifiers: ClinVar variation 2145304 (VCV002145304.4), dbSNP rs1256960832, ClinGen allele CA350540491.

ClinVar aggregate classification (germline): Uncertain significance (1 of 4 stars; one submission).

Conditions:
Paroxysmal nonkinesigenic dyskinesia. Also called: Paroxysmal non-kinesigenic dyskinesia. Identifiers: Orphanet 98810, MedGen C1869117, MONDO:0700088.

Submission:

Labcorp Genetics (formerly Invitae), Labcorp
Classification: Uncertain significance for Paroxysmal nonkinesigenic dyskinesia. Last evaluated: 2022-07-03. Review status: criteria provided, single submitter. Criteria: Invitae Variant Classification Sherloc (09022015). Collection method: clinical testing. Allele origin: germline.
Comment: In summary, the available evidence is currently insufficient to determine the role of this variant in disease. Therefore, it has been classified as a Variant of Uncertain Significance. Algorithms developed to predict the effect of missense changes on protein structure and function are either unavailable or do not agree on the potential impact of this missense change (SIFT: "Deleterious"; PolyPhen-2: "Benign"; Align-GVGD: "Class C0"). This variant has not been reported in the literature in individuals affected with PNKD-related conditions. This variant is not present in population databases (gnomAD no frequency). This sequence change replaces aspartic acid, which is acidic and polar, with tyrosine, which is neutral and polar, at codon 190 of the PNKD protein (p.Asp190Tyr).